The following is an entry in ClinVar:

ClinVar aggregate classification (germline): Likely benign (1 of 4 stars; one submission).

Allele frequency attached by ClinVar (database versions not stated): gnomAD exomes 0.00002; ExAC 0.00003.
gnomAD v4.1: 26 of 1,613,968 alleles (0.0016%); highest among the groups gnomAD compares: South Asian, 0.022%; 1 homozygote.

Submission:

CeGaT Center for Human Genetics Tuebingen
Classification: Likely benign. Last evaluated: 2023-02-01. Review status: criteria provided, single submitter. Criteria: CeGaT Center For Human Genetics Tuebingen Variant Classification Criteria Version 2. Collection method: clinical testing. Allele origin: germline. Affected: yes. Observed: 1 variant allele.
Comment: SPTA1: BP4, BP7

NM_003126.4(SPTA1):c.3204G>A (p.Leu1068=)

Gene: SPTA1 (spectrin alpha, erythrocytic 1; minus strand). Cytogenetic location: 1q23.1.
Variant type: single nucleotide variant.
Coding change: c.3204G>A on transcript NM_003126.4 (MANE Select); coding-DNA position 3204, G replaced by A.
Protein change: p.Leu1068=; no amino-acid change (leucine 1068 retained).
Molecular consequence: synonymous variant.
Genome position (GRCh38, 1-based): chr1:158,652,638, C>T on the plus strand (G>A on the coding strand, the complement: SPTA1 is on the minus strand). VCF-style: chr1-158652638-C-T. GRCh37 (hg19) VCF-style: chr1-158622428-C-T.
Identifiers: ClinVar variation 2639478 (VCV002639478.24), dbSNP rs749454806, ClinGen allele CA1183125.